The following is an entry in ClinVar:

ClinVar aggregate classification (germline): Uncertain significance (1 of 4 stars; one submission).

Conditions:
Diamond-Blackfan anemia. Also called: Blackfan Diamond syndrome; Aregenerative anemia chronic congenital; Red cell aplasia, pure hereditary; Congenital hypoplastic anemia; Aase syndrome. Identifiers: Orphanet 124, MedGen C1260899, MeSH D029503, MONDO:0015253, HP:0004810.

Allele frequency attached by ClinVar (database versions not stated): gnomAD exomes 0.00001; TOPMed 0.00001; gnomAD 0.00002; ExAC 0.00003.
gnomAD v4.1: 18 of 1,612,678 alleles (0.0011%); highest among the groups gnomAD compares: Admixed American, 0.01%; no homozygotes.

Submission:

Labcorp Genetics (formerly Invitae), Labcorp
Classification: Uncertain significance for Diamond-Blackfan anemia. Last evaluated: 2024-10-16. Review status: criteria provided, single submitter. Criteria: Invitae Variant Classification Sherloc (09022015). Collection method: clinical testing. Allele origin: germline.
Comment: This sequence change replaces isoleucine, which is neutral and non-polar, with threonine, which is neutral and polar, at codon 9 of the RPS10 protein (p.Ile9Thr). This variant is present in population databases (rs776004367, gnomAD 0.04%). This variant has not been reported in the literature in individuals affected with RPS10-related conditions. ClinVar contains an entry for this variant (Variation ID: 2415379). An algorithm developed to predict the effect of missense changes on protein structure and function (PolyPhen-2) suggests that this variant is likely to be tolerated. In summary, the available evidence is currently insufficient to determine the role of this variant in disease. Therefore, it has been classified as a Variant of Uncertain Significance.

NM_001014.5(RPS10):c.26T>C (p.Ile9Thr)

Genes: RPS10 (ribosomal protein S10; minus strand), RPS10-NUDT3 (RPS10-NUDT3 readthrough; minus strand). Cytogenetic location: 6p21.31.
Variant type: single nucleotide variant.
Coding change: c.26T>C on transcript NM_001014.5 (MANE Select); coding-DNA position 26, T replaced by C.
Protein change: p.Ile9Thr; replaces isoleucine 9 with threonine.
Molecular consequence: missense variant.
Genome position (GRCh38, 1-based): chr6:34,425,196, A>G on the plus strand (T>C on the coding strand, the complement: RPS10 is on the minus strand). VCF-style: chr6-34425196-A-G. GRCh37 (hg19) VCF-style: chr6-34392973-A-G.
Other names: c.26T>C, p.Ile9Thr (NM_001202470.3, NM_001203245.3, NM_001204091.2); short protein forms I9T.
Identifiers: ClinVar variation 2415379 (VCV002415379.12), dbSNP rs776004367, ClinGen allele CA3765144.